The following is an entry in ClinVar:

ClinVar aggregate classification (germline): Uncertain significance (1 of 4 stars; one submission).

Allele frequency attached by ClinVar (database versions not stated): gnomAD exomes below 0.00001; ExAC 0.00001; TOPMed 0.00002; ESP Exome Variant Server 0.00008.
gnomAD v4.1: 4 of 1,612,890 alleles (0.00025%); highest among the groups gnomAD compares: Admixed American, 0.0017%; no homozygotes.

Submission:

Labcorp Genetics (formerly Invitae), Labcorp
Classification: Uncertain significance. Last evaluated: 2024-01-10. Review status: criteria provided, single submitter. Criteria: Invitae Variant Classification Sherloc (09022015). Collection method: clinical testing. Allele origin: germline.
Comment: This sequence change replaces glutamine, which is neutral and polar, with arginine, which is basic and polar, at codon 497 of the KMT2A protein (p.Gln497Arg). This variant is not present in population databases (gnomAD no frequency). This variant has not been reported in the literature in individuals affected with KMT2A-related conditions. Advanced modeling of protein sequence and biophysical properties (such as structural, functional, and spatial information, amino acid conservation, physicochemical variation, residue mobility, and thermodynamic stability) has been performed at Invitae for this missense variant, however the output from this modeling did not meet the statistical confidence thresholds required to predict the impact of this variant on KMT2A protein function. In summary, the available evidence is currently insufficient to determine the role of this variant in disease. Therefore, it has been classified as a Variant of Uncertain Significance.

NM_001197104.2(KMT2A):c.1490A>G (p.Gln497Arg)

Gene: KMT2A (lysine methyltransferase 2A; plus strand). Cytogenetic location: 11q23.3.
Variant type: single nucleotide variant.
Coding change: c.1490A>G on transcript NM_001197104.2 (MANE Select); coding-DNA position 1490, A replaced by G.
Protein change: p.Gln497Arg; replaces glutamine 497 with arginine.
Molecular consequence: missense variant.
Genome position (GRCh38, 1-based): chr11:118,472,649, A>G. VCF-style: chr11-118472649-A-G. GRCh37 (hg19) VCF-style: chr11-118343364-A-G.
Other names: c.1589A>G, p.Gln530Arg (NM_001412597.1); c.1490A>G, p.Gln497Arg (NM_005933.4); short protein forms Q497R, Q530R.
Identifiers: ClinVar variation 2959087 (VCV002959087.3), dbSNP rs143420861, ClinGen allele CA6303407.